The following is an entry in ClinVar:

ClinVar aggregate classification (germline): Likely benign. Review status: criteria provided, multiple submitters, no conflicts (2 of 4 stars). 3 submissions from 3 submitters: Likely benign (3). Last evaluated 2025-07-20.

Conditions:
Cardiovascular phenotype. Identifiers: MedGen CN230736.
Dilated cardiomyopathy 1G (CMD1G). Identifiers: Orphanet 154, MedGen C1858763, MONDO:0011400, OMIM 604145.
Autosomal recessive limb-girdle muscular dystrophy type 2J (LGMDR10). Also called: Limb-girdle muscular dystrophy, type 2J; MUSCULAR DYSTROPHY, LIMB-GIRDLE, AUTOSOMAL RECESSIVE 10. Identifiers: Orphanet 140922, MedGen C1837342, MONDO:0012127, OMIM 608807.

Allele frequency attached by ClinVar (database versions not stated): ExAC 0.00001; gnomAD 0.00001; gnomAD exomes 0.00001; TOPMed 0.00001.
gnomAD v4.1: 17 of 1,601,434 alleles (0.0011%); highest among the groups gnomAD compares: East Asian, 0.0023%; no homozygotes.

Submissions (3):

Labcorp Genetics (formerly Invitae), Labcorp
Classification: Likely benign for Dilated cardiomyopathy 1G; Autosomal recessive limb-girdle muscular dystrophy type 2J. Last evaluated: 2025-07-20. Review status: criteria provided, single submitter. Criteria: Invitae Variant Classification Sherloc (09022015). Collection method: clinical testing. Allele origin: germline.

Ambry Genetics
Classification: Likely benign for Cardiovascular phenotype. Last evaluated: 2019-11-20. Review status: criteria provided, single submitter. Criteria: Ambry Variant Classification Scheme 2023. Collection method: clinical testing. Allele origin: germline.

GeneDx
Classification: Likely benign. Last evaluated: 2016-12-16. Review status: criteria provided, single submitter. Criteria: GeneDx Variant Classification (06012015). Collection method: clinical testing. Allele origin: germline. Affected: yes.
Comment: This variant is considered likely benign or benign based on one or more of the following criteria: it is a conservative change, it occurs at a poorly conserved position in the protein, it is predicted to be benign by multiple in silico algorithms, and/or has population frequency not consistent with disease.

NM_001267550.2(TTN):c.43521T>C (p.Thr14507=)

Gene: TTN (titin; minus strand). Cytogenetic location: 2q31.2.
Variant type: single nucleotide variant.
Coding change: c.43521T>C on transcript NM_001267550.2 (MANE Select); coding-DNA position 43521, T replaced by C.
Protein change: p.Thr14507=; no amino-acid change (threonine 14507 retained).
Molecular consequence: synonymous variant.
Genome position (GRCh38, 1-based): chr2:178,632,373, A>G on the plus strand (T>C on the coding strand, the complement: TTN is on the minus strand). VCF-style: chr2-178632373-A-G. GRCh37 (hg19) VCF-style: chr2-179497100-A-G.
Other names: c.38598T>C, p.Thr12866= (NM_001256850.1); c.16326T>C, p.Thr5442= (NM_003319.4); c.35817T>C, p.Thr11939= (NM_133378.4); c.16701T>C, p.Thr5567= (NM_133432.3); c.16902T>C, p.Thr5634= (NM_133437.4).
Identifiers: ClinVar variation 378905 (VCV000378905.14), dbSNP rs762655778, ClinGen allele CA1995841.